The following is an entry in ClinVar:

ClinVar aggregate classification (germline): Pathogenic (1 of 4 stars; one submission).

Conditions:
Multiple acyl-CoA dehydrogenase deficiency (MADD). Also called: ETHYLMALONIC-ADIPICACIDURIA; GA II; Glutaric acidemia type II; GA 2; Glutaric Acidemia type 2; Glutaric aciduria, type 2. Identifiers: Orphanet 26791, MedGen C0268596, MONDO:0009282, OMIM 231680.

Submission:

Labcorp Genetics (formerly Invitae), Labcorp
Classification: Pathogenic for Multiple acyl-CoA dehydrogenase deficiency. Last evaluated: 2021-11-07. Review status: criteria provided, single submitter. Criteria: Invitae Variant Classification Sherloc (09022015). Collection method: clinical testing. Allele origin: germline.
Comment: This sequence change creates a premature translational stop signal (p.Gly460*) in the ETFDH gene. It is expected to result in an absent or disrupted protein product. Loss-of-function variants in ETFDH are known to be pathogenic (PMID: 16510302, 23785301). This variant is not present in population databases (gnomAD no frequency). This premature translational stop signal has been observed in individual(s) with multiple acyl-CoA dehydrogenase deficiency (PMID: 24357026). For these reasons, this variant has been classified as Pathogenic.

Literature cited by the submitters: PubMed 16510302; PubMed 23785301; PubMed 24357026.

NM_004453.4(ETFDH):c.1378G>T (p.Gly460Ter)

Gene: ETFDH (electron transfer flavoprotein dehydrogenase; plus strand). Cytogenetic location: 4q32.1.
Variant type: single nucleotide variant.
Coding change: c.1378G>T on transcript NM_004453.4 (MANE Select); coding-DNA position 1378, G replaced by T.
Protein change: p.Gly460Ter; replaces glycine 460 with a stop codon.
Molecular consequence: nonsense.
Genome position (GRCh38, 1-based): chr4:158,706,281, G>T. VCF-style: chr4-158706281-G-T. GRCh37 (hg19) VCF-style: chr4-159627433-G-T.
Other names: c.1237G>T, p.Gly413Ter (NM_001281737.2); c.1195G>T, p.Gly399Ter (NM_001281738.1); short protein forms G460*, G399*, G413*.
Identifiers: ClinVar variation 1451332 (VCV001451332.6), dbSNP rs989125087, ClinGen allele CA358564075.